The following is an entry in ClinVar:

NM_014846.4(WASHC5):c.1409-4C>G

Gene: WASHC5 (WASH complex subunit 5; minus strand). Cytogenetic location: 8q24.13.
Variant type: single nucleotide variant.
Coding change: c.1409-4C>G on transcript NM_014846.4 (MANE Select); 4 bases into the intron before coding-DNA position 1409, C replaced by G.
Molecular consequence: intron variant.
Genome position (GRCh38, 1-based): chr8:125,061,198, G>C on the plus strand (C>G on the coding strand, the complement: WASHC5 is on the minus strand). VCF-style: chr8-125061198-G-C. GRCh37 (hg19) VCF-style: chr8-126073440-G-C.
Other names: p.?; c.965-4C>G (NM_001330609.2).
Identifiers: ClinVar variation 3379835 (VCV003379835.3).

ClinVar aggregate classification (germline): Uncertain significance. Review status: criteria provided, multiple submitters, no conflicts (2 of 4 stars). 3 submissions from 3 submitters: Uncertain significance (3). Last evaluated 2025-07-16.

gnomAD v4.1: 15 of 1,457,496 alleles (0.001%); highest among the groups gnomAD compares: Non-Finnish European, 0.0014%; no homozygotes.

Submissions (3):

Women's Health and Genetics/Laboratory Corporation of America, LabCorp
Classification: Uncertain significance. Last evaluated: 2025-07-16. Review status: criteria provided, single submitter. Criteria: LabCorp Variant Classification Summary - May 2015. Collection method: clinical testing. Allele origin: germline.
Comment: Variant summary: WASHC5 c.1409-4C>G alters a non-conserved nucleotide located at a position not widely known to affect splicing. Several computational tools predict a significant impact on normal splicing: Two predict the variant abolishes the canonical 3' acceptor site. Two predict the variant weakens the canonical 3' acceptor site. Three predict the variant creates a cryptic 3' acceptor site. However, these predictions have yet to be confirmed by functional studies. The variant allele was found at a frequency of 4e-06 in 247488 control chromosomes. The available data on variant occurrences in the general population are insufficient to allow any conclusion about variant significance. To our knowledge, no occurrence of c.1409-4C>G in individuals affected with Ritscher-Schinzel Syndrome 1 and no experimental evidence demonstrating its impact on protein function have been reported. ClinVar contains an entry for this variant (Variation ID: 3379835). Based on the evidence outlined above, the variant was classified as uncertain significance.

Mayo Clinic Laboratories, Mayo Clinic
Classification: Uncertain significance. Last evaluated: 2024-03-08. Review status: criteria provided, single submitter. Criteria: ACMG Guidelines, 2015. Collection method: clinical testing. Allele origin: germline. Observed: 1 variant allele.

Blueprint Genetics
Classification: Uncertain significance. Last evaluated: 2023-11-13. Review status: criteria provided, single submitter. Criteria: ACMG Guidelines, 2015. Collection method: clinical testing. Allele origin: germline.